The following is an entry in ClinVar:

ClinVar aggregate classification (germline): Uncertain significance. Review status: criteria provided, multiple submitters, no conflicts (2 of 4 stars). 3 submissions from 3 submitters: Uncertain significance (3). Last evaluated 2026-06-23.

Conditions:
CACNA1C-related disorder. Also called: CACNA1C-related disorders; CACNA1C-related condition. Identifiers: MedGen CN381092, MONDO:0700321.
Cardiovascular phenotype. Identifiers: MedGen CN230736.
Long QT syndrome (LQTS). Identifiers: MedGen C0023976, MeSH D008133, MONDO:0002442. Disease mechanism: loss of function. Inheritance: Various modes of inheritance.

Allele frequency attached by ClinVar (database versions not stated): ESP Exome Variant Server 0.00008; gnomAD exomes 0.00001.
gnomAD v4.1: 9 of 1,610,950 alleles (0.00056%); highest among the groups gnomAD compares: Non-Finnish European, 0.00076%; no homozygotes.

Submissions (3):

PreventionGenetics, part of Exact Sciences
Classification: Uncertain significance for CACNA1C-related condition. Last evaluated: 2026-06-23. Review status: criteria provided, single submitter. Criteria: ACMG Guidelines, 2015. Collection method: clinical testing. Allele origin: germline.
Comment: The CACNA1C c.1348G>C variant is predicted to result in the amino acid substitution p.Glu450Gln. To our knowledge, this variant has not been reported in the literature or in a large population database (gnomAD), indicating this variant is rare. At this time, the clinical significance of this variant is uncertain due to the absence of conclusive functional and genetic evidence.

Ambry Genetics
Classification: Uncertain significance for Cardiovascular phenotype. Last evaluated: 2026-04-09. Review status: criteria provided, single submitter. Criteria: Ambry Variant Classification Scheme 2023. Collection method: clinical testing. Allele origin: germline.

Labcorp Genetics (formerly Invitae), Labcorp
Classification: Uncertain significance for Long QT syndrome. Last evaluated: 2024-09-28. Review status: criteria provided, single submitter. Criteria: Invitae Variant Classification Sherloc (09022015). Collection method: clinical testing. Allele origin: germline.
Comment: This sequence change replaces glutamic acid, which is acidic and polar, with glutamine, which is neutral and polar, at codon 450 of the CACNA1C protein (p.Glu450Gln). This variant is not present in population databases (gnomAD no frequency). This variant has not been reported in the literature in individuals affected with CACNA1C-related conditions. ClinVar contains an entry for this variant (Variation ID: 411717). Invitae Evidence Modeling of protein sequence and biophysical properties (such as structural, functional, and spatial information, amino acid conservation, physicochemical variation, residue mobility, and thermodynamic stability) indicates that this missense variant is expected to disrupt CACNA1C protein function with a positive predictive value of 80%. In summary, the available evidence is currently insufficient to determine the role of this variant in disease. Therefore, it has been classified as a Variant of Uncertain Significance.

NM_000719.7(CACNA1C):c.1348G>C (p.Glu450Gln)

Gene: CACNA1C (calcium voltage-gated channel subunit alpha1 C; plus strand). Cytogenetic location: 12p13.33.
Variant type: single nucleotide variant.
Coding change: c.1348G>C on transcript NM_000719.7 (MANE Select); coding-DNA position 1348, G replaced by C.
Protein change: p.Glu450Gln; replaces glutamic acid 450 with glutamine.
Molecular consequence: missense variant.
Genome position (GRCh38, 1-based): chr12:2,512,942, G>C. VCF-style: chr12-2512942-G-C. GRCh37 (hg19) VCF-style: chr12-2622108-G-C.
Other names: c.1348G>C, p.Glu450Gln (NM_001129827.2, NM_001129829.2, NM_001129830.3 and 18 more transcripts); c.1339G>C, p.Glu447Gln (NM_001129844.2); short protein forms E450Q, E447Q.
Identifiers: ClinVar variation 411717 (VCV000411717.10), dbSNP rs369680588, ClinGen allele CA16613962.